The following is an entry in ClinVar:

NM_198578.4(LRRK2):c.1214T>C (p.Met405Thr)

Gene: LRRK2 (leucine rich repeat kinase 2; plus strand). Cytogenetic location: 12q12.
Variant type: single nucleotide variant.
Coding change: c.1214T>C on transcript NM_198578.4 (MANE Select); coding-DNA position 1214, T replaced by C.
Protein change: p.Met405Thr; replaces methionine 405 with threonine.
Molecular consequence: missense variant.
Genome position (GRCh38, 1-based): chr12:40,252,942, T>C. VCF-style: chr12-40252942-T-C. GRCh37 (hg19) VCF-style: chr12-40646744-T-C.
Other names: short protein forms M405T.
Identifiers: ClinVar variation 3229505 (VCV003229505.1), dbSNP rs1443893985, ClinGen allele CA384409298.
Genomic context (GRCh38, chr12:40,252,942, plus strand): 5'-ACTAACATTTTGTTTGAATTTTTGAAAGTTTCCCAGCTCATAGGGAAGTGATGCTCTCCA[T>C]GCTGATGCATTCTTCATCAAAGGAAGTTTTCCAGGCATCTGCGAATGCATTGTCAACTCT-3'
Protein context (NP_940980.4, residues 395-415): FPAHREVMLS[Met405Thr]LMHSSSKEVF

ClinVar aggregate classification (germline): Uncertain significance (1 of 4 stars; one submission).

Conditions:
Inborn genetic diseases. Identifiers: MedGen C0950123, MeSH D030342.

Allele frequency attached by ClinVar (database versions not stated): gnomAD exomes below 0.00001.
gnomAD v4.1: 3 of 1,613,354 alleles (0.00019%); highest among the groups gnomAD compares: Non-Finnish European, 0.00025%; no homozygotes.

Submission:

Ambry Genetics
Classification: Uncertain significance for Inborn genetic diseases. Last evaluated: 2023-10-13. Review status: criteria provided, single submitter. Criteria: Ambry Variant Classification Scheme 2023. Collection method: clinical testing. Allele origin: germline.
Comment: The p.M405T variant (also known as c.1214T>C), located in coding exon 11 of the LRRK2 gene, results from a T to C substitution at nucleotide position 1214. The methionine at codon 405 is replaced by threonine, an amino acid with similar properties. This amino acid position is conserved. In addition, the in silico prediction for this alteration is inconclusive. Since supporting evidence is limited at this time, the clinical significance of this alteration remains unclear.